The following is an entry in ClinVar:

ClinVar aggregate classification (germline): Uncertain significance (1 of 4 stars; one submission).

Conditions:
Hereditary cancer-predisposing syndrome. Also called: Neoplastic Syndromes, Hereditary; Tumor predisposition; Hereditary neoplastic syndrome; Hereditary Cancer Syndrome. Identifiers: Orphanet 140162, MedGen C0027672, MeSH D009386, MONDO:0015356.

Submission:

Ambry Genetics
Classification: Uncertain significance for Hereditary cancer-predisposing syndrome. Last evaluated: 2026-07-02. Review status: criteria provided, single submitter. Criteria: Ambry Variant Classification Scheme 2023. Collection method: clinical testing. Allele origin: germline.
Comment: The p.V556A variant (also known as c.1667T>C), located in coding exon 11 of the NBN gene, results from a T to C substitution at nucleotide position 1667. The valine at codon 556 is replaced by alanine, an amino acid with similar properties. This amino acid position is conserved. In addition, this alteration is predicted to be tolerated by in silico analysis. Based on the available evidence, the clinical significance of this variant remains unclear.

NM_002485.5(NBN):c.1667T>C (p.Val556Ala)

Gene: NBN (nibrin; minus strand). Cytogenetic location: 8q21.3.
Variant type: single nucleotide variant.
Coding change: c.1667T>C on transcript NM_002485.5 (MANE Select); coding-DNA position 1667, T replaced by C.
Protein change: p.Val556Ala; replaces valine 556 with alanine.
Molecular consequence: missense variant.
Genome position (GRCh38, 1-based): chr8:89,953,422, A>G on the plus strand (T>C on the coding strand, the complement: NBN is on the minus strand). VCF-style: chr8-89953422-A-G. GRCh37 (hg19) VCF-style: chr8-90965650-A-G.
Other names: c.1421T>C, p.Val474Ala (NM_001024688.3, NM_001440379.1, NM_001440380.1); short protein forms V556A, V474A.
Identifiers: ClinVar variation 5025371 (VCV005025371.1).
Genomic context (GRCh38, chr8:89,953,422, plus strand): 5'-ATTTCTAACTCTGGTTTTGTGTCCTTGAATAACTGTTCCAATACTTCATCTTCTATGGCC[A>G]CATCATCCATTTCCCTTTTTTTATTTGATCTTAGCTTTTCTGCAGCATGAGATTTACTGG-3'
Protein context (NP_002476.2, residues 546-566): RSNKKREMDD[Val556Ala]AIEDEVLEQL